The following is an entry in ClinVar:

NM_001374736.1(DST):c.251G>A (p.Arg84Gln)

Gene: DST (dystonin; minus strand). Cytogenetic location: 6p12.1.
Variant type: single nucleotide variant.
Coding change: c.251G>A on transcript NM_001374736.1 (MANE Select); coding-DNA position 251, G replaced by A.
Protein change: p.Arg84Gln; replaces arginine 84 with glutamine.
Molecular consequence: missense variant. On other transcripts: genic upstream transcript variant (1).
Genome position (GRCh38, 1-based): chr6:56,900,587, C>T on the plus strand (G>A on the coding strand, the complement: DST is on the minus strand). VCF-style: chr6-56900587-C-T. GRCh37 (hg19) VCF-style: chr6-56765385-C-T.
Other names: c.251G>A, p.Arg84Gln (NM_001144769.5, NM_001374722.1); c.278G>A, p.Arg93Gln (NM_001374734.1); c.-257799G>A (NM_001723.7); short protein forms R84Q, R93Q.
Identifiers: ClinVar variation 3907511 (VCV003907511.1).

ClinVar aggregate classification (germline): Uncertain significance (1 of 4 stars; one submission).

gnomAD v4.1: 3 of 1,367,650 alleles (0.00022%); highest among the groups gnomAD compares: South Asian, 0.0011%; no homozygotes.

Submission:

Women's Health and Genetics/Laboratory Corporation of America, LabCorp
Classification: Uncertain significance. Last evaluated: 2025-06-26. Review status: criteria provided, single submitter. Criteria: LabCorp Variant Classification Summary - May 2015. Collection method: clinical testing. Allele origin: germline.
Comment: Variant summary: DST c.-257799G>A is located in the untranscribed region upstream of the DST gene region. This variant is also known as c.251G>A (p.Arg84Gln) in transcript NM_001144769. The variant allele was found at a frequency of 2.2e-06 in 1367650 control chromosomes. The available data on variant occurrences in the general population are insufficient to allow any conclusion about variant significance. To our knowledge, no occurrence of c.-257799G>A in individuals affected with Epidermolysis bullosa simplex 3, localized or generalized intermediate, with BP230 deficiency and no experimental evidence demonstrating its impact on protein function have been reported. No submitters have cited clinical-significance assessments for this variant to ClinVar. Based on the evidence outlined above, the variant was classified as uncertain significance.